The following is an entry in ClinVar:

NM_006904.7(PRKDC):c.5527A>G (p.Ile1843Val)

Gene: PRKDC (protein kinase, DNA-activated, catalytic subunit; minus strand). Cytogenetic location: 8q11.21.
Variant type: single nucleotide variant.
Coding change: c.5527A>G on transcript NM_006904.7 (MANE Select); coding-DNA position 5527, A replaced by G.
Protein change: p.Ile1843Val; replaces isoleucine 1843 with valine.
Molecular consequence: missense variant.
Genome position (GRCh38, 1-based): chr8:47,864,600, T>C on the plus strand (A>G on the coding strand, the complement: PRKDC is on the minus strand). VCF-style: chr8-47864600-T-C. GRCh37 (hg19) VCF-style: chr8-48777161-T-C.
Other names: c.5527A>G, p.Ile1843Val (NM_001081640.2); short protein forms I1843V.
Identifiers: ClinVar variation 647672 (VCV000647672.8), dbSNP rs573489900, ClinGen allele CA4740622.
Genomic context (GRCh38, chr8:47,864,600, plus strand): 5'-TTAAGGCGTATGATACCTTTGTAAACCTGGACTTCAACACATCAATGGCATCCACCACAA[T>C]TGTGCTGAAGAATTCTCTCAAAGCATCCAGGCTACAGTGCCACAGCAGAGTGAGGAGGGA-3'
Protein context (NP_008835.5, residues 1833-1853): LDALREFFST[Ile1843Val]VVDAIDVLKS

ClinVar aggregate classification (germline): Uncertain significance. Review status: criteria provided, multiple submitters, no conflicts (2 of 4 stars). 2 submissions from 2 submitters: Uncertain significance (2). Last evaluated 2024-11-14.

Conditions:
Severe combined immunodeficiency due to DNA-PKcs deficiency. Also called: IMMUNODEFICIENCY 26 WITH NEUROLOGIC ABNORMALITIES; Immunodeficiency 26 with or without neurologic abnormalities. Identifiers: Orphanet 317425, MedGen C4014833, MONDO:0014423, OMIM 615966.

Allele frequency attached by ClinVar (database versions not stated): gnomAD 0.00005; TOPMed 0.00005; ExAC 0.00007; gnomAD exomes 0.00008; 1000 Genomes Project 30x 0.00016; 1000 Genomes Project 0.00020.
gnomAD v4.1: 225 of 1,610,466 alleles (0.014%); highest among the groups gnomAD compares: Non-Finnish European, 0.018%; no homozygotes.

Submissions (2):

Blueprint Genetics
Classification: Uncertain significance. Last evaluated: 2024-11-14. Review status: criteria provided, single submitter. Criteria: ACMG Guidelines, 2015. Collection method: clinical testing. Allele origin: germline.

Labcorp Genetics (formerly Invitae), Labcorp
Classification: Uncertain significance for Severe combined immunodeficiency due to DNA-PKcs deficiency. Last evaluated: 2022-09-25. Review status: criteria provided, single submitter. Criteria: Invitae Variant Classification Sherloc (09022015). Collection method: clinical testing. Allele origin: germline.
Comment: This sequence change replaces isoleucine, which is neutral and non-polar, with valine, which is neutral and non-polar, at codon 1843 of the PRKDC protein (p.Ile1843Val). This variant is present in population databases (rs573489900, gnomAD 0.01%). This variant has not been reported in the literature in individuals affected with PRKDC-related conditions. ClinVar contains an entry for this variant (Variation ID: 647672). Algorithms developed to predict the effect of missense changes on protein structure and function output the following: SIFT: "Not Available"; PolyPhen-2: "Not Available"; Align-GVGD: "Not Available". The valine amino acid residue is found in multiple mammalian species, which suggests that this missense change does not adversely affect protein function. In summary, the available evidence is currently insufficient to determine the role of this variant in disease. Therefore, it has been classified as a Variant of Uncertain Significance.